The following is an entry in ClinVar:

ClinVar aggregate classification (germline): Pathogenic/Likely pathogenic. Review status: criteria provided, multiple submitters, no conflicts (2 of 4 stars). 5 submissions from 5 submitters: Pathogenic (1); Likely pathogenic (3). 1 of the submissions does not count toward it. Last evaluated 2026-06-24.

Conditions:
Acid sphingomyelinase deficiency. Identifiers: Orphanet 618899, MedGen C5243927, MONDO:0100464.
Sphingomyelin/cholesterol lipidosis. Also called: Niemann-Pick disease. Identifiers: MedGen C0028064, MONDO:0001982.
Niemann-Pick disease, type A. Also called: Infantile Neurovisceral ASMD (Niemann-Pick Disease Type A; NPD-A); SPHINGOMYELIN LIPIDOSIS; SPHINGOMYELINASE DEFICIENCY. Identifiers: Orphanet 77292, MedGen C0268242, MONDO:0009756, OMIM 257200. Disease mechanism: loss of function.

Submissions (5):

Myriad Genetics, Inc.
Classification: Likely pathogenic for Acid sphingomyelinase deficiency. Last evaluated: 2026-06-24. Review status: criteria provided, single submitter. Criteria: Myriad Autosomal Dominant, Autosomal Recessive and X-Linked Classification Criteria (2023). Collection method: clinical testing. Allele origin: unknown.
Comment: NM_000543.4(SMPD1):c.1152G>A(M384I) is a missense variant classified as likely pathogenic in the context of Niemann-Pick disease, SMPD1-related. M384I has been observed in cases with relevant disease (PMID: 15241805, 1618760). Relevant functional assessments of this variant are available in the literature (PMID: 1618760). M384I has not been observed in referenced population frequency databases. In summary, NM_000543.4(SMPD1):c.1152G>A(M384I) is a missense variant that has functional support for pathogenicity and has been observed more frequently in cases with the relevant disease than in healthy populations. Please note: this variant was assessed in the context of healthy population screening.

Natera, Inc.
Classification: Likely pathogenic for Niemann-Pick Disease, Types A/B. Last evaluated: 2025-02-24. Review status: criteria provided, single submitter. Criteria: Natera Variant Classification Schema (03/2026). Collection method: clinical testing. Allele origin: germline.
Comment: The c.1152G>A variant in SMPD1 is a missense variant predicted to cause substitution of methionine to isoleucine at amino acid 384. This variant is rare in the general population with a frequency below the threshold expected for the associated phenotype(s). This variant has been observed in one or more individuals affected with the associated recessive disease, as either homozygous or compound heterozygous with a second variant (PMID: 15241805, 1618760). Functional studies show that this variant may disrupt protein function (PMID: 1618760). Computational prediction algorithms indicate this variant is likely to affect gene or protein function. Given the available evidence, this variant is classified as Likely Pathogenic.

Women's Health and Genetics/Laboratory Corporation of America, LabCorp
Classification: Likely pathogenic for Sphingomyelin/cholesterol lipidosis. Last evaluated: 2024-10-09. Review status: criteria provided, single submitter. Criteria: LabCorp Variant Classification Summary - May 2015. Collection method: clinical testing. Allele origin: germline.
Comment: Variant summary: SMPD1 c.1152G>A (p.Met384Ile) results in a conservative amino acid change located in the Calcineurin-like phosphoesterase domain, ApaH type (IPR004843) of the encoded protein sequence. Three of four in-silico tools predict a damaging effect of the variant on protein function. The variant was absent in 249272 control chromosomes (gnomAD). c.1152G>A has been reported in the literature in individuals affected with Niemann-Pick Disease and this variant co-segregated with the disease (Takahashi_1992, Pittis_2004). These data indicate that the variant may be associated with disease. At least one publication reports experimental evidence evaluating an impact on protein function. The most pronounced variant effect results in <10% of normal activity (Takahashi_1992). The following publications have been ascertained in the context of this evaluation (PMID: 15241805, 1618760). ClinVar contains an entry for this variant (Variation ID: 2986). Based on the evidence outlined above, the variant was classified as likely pathogenic.

Eurofins Ntd Llc (ga)
Classification: Pathogenic. Last evaluated: 2017-03-03. Review status: criteria provided, single submitter. Criteria: EGL Classification Definitions 2015. Collection method: clinical testing. Allele origin: germline. Observed: 3 variant alleles, 3 heterozygotes.

OMIM
Classification: Pathogenic for NIEMANN-PICK DISEASE, TYPE A. Last evaluated: 2010-03-11. Review status: no assertion criteria provided. Collection method: literature only. Allele origin: germline. Not counted in ClinVar's aggregate classification.

Literature cited by the submitters: PubMed 15241805 (cited by 3 submitters); PubMed 1618760 (cited by 3 submitters).

NM_000543.5(SMPD1):c.1152G>A (p.Met384Ile)

Gene: SMPD1 (sphingomyelin phosphodiesterase 1; plus strand). Cytogenetic location: 11p15.4.
Variant type: single nucleotide variant.
Coding change: c.1152G>A on transcript NM_000543.5 (MANE Select); coding-DNA position 1152, G replaced by A.
Protein change: p.Met384Ile; replaces methionine 384 with isoleucine.
Molecular consequence: missense variant. On other transcripts: non-coding transcript variant (1), intron variant (1).
Genome position (GRCh38, 1-based): chr11:6,393,276, G>A. VCF-style: chr11-6393276-G-A. GRCh37 (hg19) VCF-style: chr11-6414506-G-A.
Other names: M382I; c.1149G>A, p.Met383Ile (NM_001007593.3); c.1152G>A, p.Met384Ile (NM_001318087.2); c.231G>A, p.Met77Ile (NM_001318088.2); c.1132-341G>A (NM_001365135.2); c.1152G>A (NM_000543.4); short protein forms M384I, M383I, M77I.
Identifiers: ClinVar variation 2986 (VCV000002986.8), dbSNP rs120074121, ClinGen allele CA252515.
Genomic context (GRCh38, chr11:6,393,276, plus strand): 5'-AATTGGGGGGTTCTATGCTCTTTCCCCATACCCCGGTCTCCGCCTCATCTCTCTCAATAT[G>A]AATTTTTGTTCCCGTGAGAACTTCTGGCTCTTGATCAACTCCACGGATCCCGCAGGACAG-3'
Protein context (NP_000534.3, residues 374-394): YPGLRLISLN[Met384Ile]NFCSRENFWL